The following is an entry in ClinVar:

ClinVar aggregate classification (germline): Conflicting classifications of pathogenicity. Review status: criteria provided, conflicting classifications (1 of 4 stars). 2 submissions from 2 submitters: Uncertain significance (1); Benign (1). Last evaluated 2025-06-04.

Conditions:
Melanoma, cutaneous malignant, susceptibility to, 5. Also called: Cutaneous malignant melanoma 5. Identifiers: Orphanet 618, MedGen C2751295, MONDO:0013133, OMIM 613099.

Allele frequency attached by ClinVar (database versions not stated): gnomAD 0.00002 and 0.00003; gnomAD exomes 0.00003 and 0.00004; TOPMed 0.00003; ExAC 0.00007; ESP Exome Variant Server 0.00016.
gnomAD v4.1: 63 of 1,613,828 alleles (0.0039%); highest among the groups gnomAD compares: South Asian, 0.012%; no homozygotes.

Submissions (2):

Labcorp Genetics (formerly Invitae), Labcorp
Classification: Uncertain significance for Melanoma, cutaneous malignant, susceptibility to, 5. Last evaluated: 2025-06-04. Review status: criteria provided, single submitter. Criteria: Invitae Variant Classification Sherloc (09022015). Collection method: clinical testing. Allele origin: germline.
Comment: This sequence change replaces asparagine, which is neutral and polar, with serine, which is neutral and polar, at codon 290 of the MC1R protein (p.Asn290Ser). This variant is present in population databases (rs373703770, gnomAD 0.02%). This variant has not been reported in the literature in individuals affected with MC1R-related conditions. ClinVar contains an entry for this variant (Variation ID: 884858). Invitae Evidence Modeling of protein sequence and biophysical properties (such as structural, functional, and spatial information, amino acid conservation, physicochemical variation, residue mobility, and thermodynamic stability) indicates that this missense variant is not expected to disrupt MC1R protein function with a negative predictive value of 80%. In summary, the available evidence is currently insufficient to determine the role of this variant in disease. Therefore, it has been classified as a Variant of Uncertain Significance.

Illumina Laboratory Services, Illumina
Classification: Benign for Melanoma, cutaneous malignant, susceptibility to, 5. Last evaluated: 2017-08-04. Review status: criteria provided, single submitter. Criteria: ICSL Variant Classification Criteria 13 December 2019. Collection method: clinical testing. Allele origin: germline.
Comment: This variant was observed as part of a predisposition screen in an ostensibly healthy population. A literature search was performed for the gene, cDNA change, and amino acid change (where applicable). Publications were found based on this search. The evidence from the literature, in combination with allele frequency data from public databases where available, was sufficient to rule this variant out of causing disease. Therefore, this variant is classified as benign.

Literature cited by the submitters: PubMed 16309897 (cited by Illumina Laboratory Services, Illumina).

NM_002386.4(MC1R):c.869A>G (p.Asn290Ser)

Gene: MC1R (melanocortin 1 receptor; plus strand). Cytogenetic location: 16q24.3.
Variant type: single nucleotide variant.
Coding change: c.869A>G on transcript NM_002386.4 (MANE Select); coding-DNA position 869, A replaced by G.
Protein change: p.Asn290Ser; replaces asparagine 290 with serine.
Molecular consequence: missense variant.
Genome position (GRCh38, 1-based): chr16:89,920,127, A>G. VCF-style: chr16-89920127-A-G. GRCh37 (hg19) VCF-style: chr16-89986535-A-G.
Other names: short protein forms N290S.
Identifiers: ClinVar variation 884858 (VCV000884858.8), dbSNP rs373703770, ClinGen allele CA8255786.